The following is an entry in ClinVar:

ClinVar aggregate classification (germline): Uncertain significance (1 of 4 stars; one submission).

Conditions:
Propionic acidemia (PROP). Also called: GLYCINEMIA, KETOTIC; HYPERGLYCINEMIA WITH KETOACIDOSIS AND LEUKOPENIA; KETOTIC HYPERGLYCINEMIA. Identifiers: Orphanet 35, MedGen C0268579, MONDO:0011628, OMIM 606054, HP:0003571.

Allele frequency attached by ClinVar (database versions not stated): gnomAD exomes below 0.00001; TOPMed below 0.00001; ExAC 0.00001; gnomAD 0.00001.
gnomAD v4.1: 2 of 1,611,220 alleles (0.00012%); highest among the groups gnomAD compares: African/African-American, 0.0027%; no homozygotes.

Submission:

Labcorp Genetics (formerly Invitae), Labcorp
Classification: Uncertain significance for Propionic acidemia. Last evaluated: 2021-08-26. Review status: criteria provided, single submitter. Criteria: Invitae Variant Classification Sherloc (09022015). Collection method: clinical testing. Allele origin: germline.
Comment: This sequence change replaces lysine with asparagine at codon 433 of the PCCB protein (p.Lys433Asn). The lysine residue is highly conserved and there is a moderate physicochemical difference between lysine and asparagine. This variant also falls at the last nucleotide of exon 12, which is part of the consensus splice site for this exon. This variant is present in population databases (rs774942448, ExAC 0.01%). This variant has not been reported in the literature in individuals affected with PCCB-related conditions. Algorithms developed to predict the effect of missense changes on protein structure and function (SIFT, PolyPhen-2, Align-GVGD) all suggest that this variant is likely to be disruptive. Variants that disrupt the consensus splice site are a relatively common cause of aberrant splicing (PMID: 17576681, 9536098). Algorithms developed to predict the effect of sequence changes on RNA splicing suggest that this variant may disrupt the consensus splice site. In summary, the available evidence is currently insufficient to determine the role of this variant in disease. Therefore, it has been classified as a Variant of Uncertain Significance.

Literature cited by the submitters: PubMed 17576681; PubMed 9536098.

NM_000532.5(PCCB):c.1299G>C (p.Lys433Asn)

Gene: PCCB (propionyl-CoA carboxylase subunit beta; plus strand). Cytogenetic location: 3q22.3.
Variant type: single nucleotide variant.
Coding change: c.1299G>C on transcript NM_000532.5 (MANE Select); coding-DNA position 1299, G replaced by C.
Protein change: p.Lys433Asn; replaces lysine 433 with asparagine.
Molecular consequence: missense variant.
Genome position (GRCh38, 1-based): chr3:136,327,255, G>C. VCF-style: chr3-136327255-G-C. GRCh37 (hg19) VCF-style: chr3-136046097-G-C.
Other names: c.1359G>C, p.Lys453Asn (NM_001178014.2); short protein forms K433N, K453N.
Identifiers: ClinVar variation 1015035 (VCV001015035.6), dbSNP rs774942448, ClinGen allele CA2632120.